The following is an entry in ClinVar:

NM_020884.7(MYH7B):c.1188G>A (p.Gly396=)

Gene: MYH7B (myosin heavy chain 7B; plus strand). Cytogenetic location: 20q11.22.
Variant type: single nucleotide variant.
Coding change: c.1188G>A on transcript NM_020884.7 (MANE Select); coding-DNA position 1188, G replaced by A.
Protein change: p.Gly396=; no amino-acid change (glycine 396 retained).
Molecular consequence: synonymous variant.
Genome position (GRCh38, 1-based): chr20:34,987,597, G>A. VCF-style: chr20-34987597-G-A. GRCh37 (hg19) VCF-style: chr20-33575400-G-A.
Other names: c.1314G>A (NM_020884.4).
Identifiers: ClinVar variation 1530240 (VCV001530240.9), dbSNP rs368364265, ClinGen allele CA9826850.

ClinVar aggregate classification (germline): Benign/Likely benign. Review status: criteria provided, multiple submitters, no conflicts (2 of 4 stars). 2 submissions from 2 submitters: Benign (1); Likely benign (1). Last evaluated 2025-12-03.

Conditions:
MYH7B-related disorder. Also called: MYH7B-related condition.

Allele frequency attached by ClinVar (database versions not stated): gnomAD exomes 0.00009 and 0.00049; TOPMed 0.00019; gnomAD 0.00021 and 0.00025; ExAC 0.00047; 1000 Genomes Project 30x 0.00109; 1000 Genomes Project 0.00120.
gnomAD v4.1: 201 of 1,614,048 alleles (0.012%); highest among the groups gnomAD compares: East Asian, 0.37%; no homozygotes.

Submissions (2):

Labcorp Genetics (formerly Invitae), Labcorp
Classification: Benign. Last evaluated: 2025-12-03. Review status: criteria provided, single submitter. Criteria: Invitae Variant Classification Sherloc (09022015). Collection method: clinical testing. Allele origin: germline.

PreventionGenetics, part of Exact Sciences
Classification: Likely benign for MYH7B-related condition. Last evaluated: 2025-09-27. Review status: criteria provided, single submitter. Criteria: ACMG Guidelines, 2015. Collection method: clinical testing. Allele origin: germline.
Comment: This variant is classified as likely benign based on ACMG/AMP sequence variant interpretation guidelines (Richards et al. 2015 PMID: 25741868, with internal and published modifications).